The following is an entry in ClinVar:

NM_017514.5(PLXNA3):c.4287+10G>A

Gene: PLXNA3 (plexin A3; plus strand). Cytogenetic location: Xq28.
Variant type: single nucleotide variant.
Coding change: c.4287+10G>A on transcript NM_017514.5 (MANE Select); 10 bases into the intron after coding-DNA position 4287, G replaced by A.
Molecular consequence: intron variant.
Genome position (GRCh38, 1-based): chrX:154,468,739, G>A. VCF-style: chrX-154468739-G-A. GRCh37 (hg19) VCF-style: chrX-153697082-G-A.
Identifiers: ClinVar variation 3358109 (VCV003358109.1).

ClinVar aggregate classification (germline): Likely benign (0 of 4 stars; one submission).

Conditions:
PLXNA3-related disorder. Also called: PLXNA3-related condition.

Submission:

PreventionGenetics, part of Exact Sciences
Classification: Likely benign for PLXNA3-related condition. Last evaluated: 2024-03-15. Review status: no assertion criteria provided. Collection method: clinical testing. Allele origin: germline.
Comment: This variant is classified as likely benign based on ACMG/AMP sequence variant interpretation guidelines (Richards et al. 2015 PMID: 25741868, with internal and published modifications).